The following is an entry in ClinVar:

ClinVar aggregate classification (germline): Pathogenic/Likely pathogenic. Review status: criteria provided, multiple submitters, no conflicts (2 of 4 stars). 2 submissions from 2 submitters: Pathogenic (1); Likely pathogenic (1). Last evaluated 2025-04-22.

Conditions:
ZEB2-related disorder. Also called: ZEB2-related condition.

Submissions (2):

PreventionGenetics, part of Exact Sciences
Classification: Likely pathogenic for ZEB2-related condition. Last evaluated: 2025-04-22. Review status: criteria provided, single submitter. Criteria: ACMG Guidelines, 2015. Collection method: clinical testing. Allele origin: germline.
Comment: The ZEB2 c.2803dupA variant is predicted to result in a frameshift and premature protein termination (p.Met935Asnfs*14). To our knowledge, this variant has not been reported in the literature or in a large population database (gnomAD), indicating this variant is rare. Frameshift variants in ZEB2 are expected to be pathogenic. This variant is interpreted as likely pathogenic.

Institute of Medical Genetics and Applied Genomics, University Hospital Tübingen
Classification: Pathogenic. Last evaluated: 2020-10-23. Review status: criteria provided, single submitter. Criteria: ACMG Guidelines, 2015. Collection method: clinical testing. Allele origin: germline. Inheritance: Unknown mechanism. Affected: yes.

NM_014795.4(ZEB2):c.2803dup (p.Met935fs)

Gene: ZEB2 (zinc finger E-box binding homeobox 2; minus strand). Cytogenetic location: 2q22.3.
Variant type: Duplication.
Coding change: c.2803dup on transcript NM_014795.4 (MANE Select); coding-DNA position 2803, one base duplicated (A; older notation c.2803dupA).
Protein change: p.Met935fs; shifts the reading frame from methionine 935.
Molecular consequence: frameshift variant.
Genome position (GRCh38, 1-based): chr2:144,398,384, T duplicated on the plus strand (A on the coding strand, the reverse complement: ZEB2 is on the minus strand). VCF-style (leftmost placement, unchanged base first): chr2-144398383-A-AT. GRCh37 (hg19) VCF-style: chr2-145155950-A-AT.
Other names: c.2803dupA (NM_014795.3); c.2731dup, p.Met911fs (NM_001171653.2); short protein forms M911fs, M935fs.
Identifiers: ClinVar variation 987507 (VCV000987507.3), dbSNP rs1703258451, ClinGen allele CA1139655625.